The following is an entry in ClinVar:

NM_003839.4(TNFRSF11A):c.1676C>T (p.Ala559Val)

Gene: TNFRSF11A (TNF receptor superfamily member 11a; plus strand). Cytogenetic location: 18q21.33.
Variant type: single nucleotide variant.
Coding change: c.1676C>T on transcript NM_003839.4 (MANE Select); coding-DNA position 1676, C replaced by T.
Protein change: p.Ala559Val; replaces alanine 559 with valine.
Molecular consequence: missense variant. On other transcripts: 3 prime UTR variant (1).
Genome position (GRCh38, 1-based): chr18:62,384,859, C>T. VCF-style: chr18-62384859-C-T. GRCh37 (hg19) VCF-style: chr18-60052092-C-T.
Other names: c.*100C>T (NM_001270949.2); c.839C>T, p.Ala280Val (NM_001270950.2); c.725C>T, p.Ala242Val (NM_001270951.2); c.1634C>T, p.Ala545Val (NM_001278268.2); short protein forms A242V, A280V, A559V, A545V.
Identifiers: ClinVar variation 1973347 (VCV001973347.5), dbSNP rs755335408, ClinGen allele CA8984025.
Genomic context (GRCh38, chr18:62,384,859, plus strand): 5'-TGATGAACTTCAAGGGCGACATCATCGTGGTCTACGTCAGCCAGACCTCGCAGGAGGGCG[C>T]GGCGGCGGCTGCGGAGCCCATGGGCCGCCCGGTGCAGGAGGAGACCCTGGCGCGCCGAGA-3'
Protein context (NP_003830.1, residues 549-569): VYVSQTSQEG[Ala559Val]AAAAEPMGRP

ClinVar aggregate classification (germline): Uncertain significance (1 of 4 stars; one submission).

Allele frequency attached by ClinVar (database versions not stated): gnomAD exomes 0.00001; TOPMed 0.00001; ExAC 0.00003.
gnomAD v4.1: 9 of 1,604,610 alleles (0.00056%); highest among the groups gnomAD compares: South Asian, 0.009%; no homozygotes.

Submission:

Labcorp Genetics (formerly Invitae), Labcorp
Classification: Uncertain significance. Last evaluated: 2022-08-09. Review status: criteria provided, single submitter. Criteria: Invitae Variant Classification Sherloc (09022015). Collection method: clinical testing. Allele origin: germline.
Comment: This sequence change replaces alanine, which is neutral and non-polar, with valine, which is neutral and non-polar, at codon 559 of the TNFRSF11A protein (p.Ala559Val). The frequency data for this variant in the population databases is considered unreliable, as metrics indicate poor data quality at this position in the gnomAD database. This variant has not been reported in the literature in individuals affected with TNFRSF11A-related conditions. Algorithms developed to predict the effect of missense changes on protein structure and function (SIFT, PolyPhen-2, Align-GVGD) all suggest that this variant is likely to be tolerated. In summary, the available evidence is currently insufficient to determine the role of this variant in disease. Therefore, it has been classified as a Variant of Uncertain Significance.